The following is an entry in ClinVar:

NM_006767.4(LZTR1):c.2154G>T (p.Gln718His)

Gene: LZTR1 (leucine zipper like post translational regulator 1; plus strand). Cytogenetic location: 22q11.21.
Variant type: single nucleotide variant.
Coding change: c.2154G>T on transcript NM_006767.4 (MANE Select); coding-DNA position 2154, G replaced by T.
Protein change: p.Gln718His; replaces glutamine 718 with histidine.
Molecular consequence: missense variant.
Genome position (GRCh38, 1-based): chr22:20,996,047, G>T. VCF-style: chr22-20996047-G-T. GRCh37 (hg19) VCF-style: chr22-21350336-G-T.
Other names: short protein forms Q718H.
Identifiers: ClinVar variation 3541648 (VCV003541648.1).

ClinVar aggregate classification (germline): Uncertain significance (1 of 4 stars; one submission).

Conditions:
Hereditary cancer-predisposing syndrome. Also called: Hereditary Cancer Syndrome; Hereditary neoplastic syndrome; Tumor predisposition; Neoplastic Syndromes, Hereditary. Identifiers: Orphanet 140162, MedGen C0027672, MeSH D009386, MONDO:0015356.
Cardiovascular phenotype. Identifiers: MedGen CN230736.

Submission:

Ambry Genetics
Classification: Uncertain significance for Cardiovascular phenotype; Hereditary cancer-predisposing syndrome. Last evaluated: 2024-10-13. Review status: criteria provided, single submitter. Criteria: Ambry Variant Classification Scheme 2023. Collection method: clinical testing. Allele origin: germline.
Comment: The p.Q718H variant (also known as c.2154G>T), located in coding exon 18 of the LZTR1 gene, results from a G to T substitution at nucleotide position 2154. The glutamine at codon 718 is replaced by histidine, an amino acid with highly similar properties. This amino acid position is conserved. In addition, the in silico prediction for this alteration is inconclusive. Based on the available evidence, the clinical significance of this variant remains unclear.